The following is an entry in ClinVar:

ClinVar aggregate classification (germline): Pathogenic (1 of 4 stars; one submission).

Submission:

Labcorp Genetics (formerly Invitae), Labcorp
Classification: Pathogenic. Last evaluated: 2025-11-18. Review status: criteria provided, single submitter. Criteria: Invitae Variant Classification Sherloc (09022015). Collection method: clinical testing. Allele origin: germline.
Comment: This sequence change creates a premature translational stop signal (p.Ser5888*) in the ADGRV1 gene. It is expected to result in an absent or disrupted protein product. Loss-of-function variants in ADGRV1 are known to be pathogenic (PMID: 19357117, 22135276, 22147658, 26226137, 30718709, 31047384, 32467589). This variant is not present in population databases (gnomAD no frequency). This variant has not been reported in the literature in individuals affected with ADGRV1-related conditions. For these reasons, this variant has been classified as Pathogenic.

Literature cited by the submitters: PubMed 19357117; PubMed 22135276; PubMed 22147658; PubMed 26226137; PubMed 30718709; PubMed 31047384; PubMed 32467589.

NM_032119.4(ADGRV1):c.17663C>A (p.Ser5888Ter)

Gene: ADGRV1 (adhesion G protein-coupled receptor V1; plus strand). Cytogenetic location: 5q14.3.
Variant type: single nucleotide variant.
Coding change: c.17663C>A on transcript NM_032119.4 (MANE Select); coding-DNA position 17663, C replaced by A.
Protein change: p.Ser5888Ter; replaces serine 5888 with a stop codon.
Molecular consequence: nonsense. On other transcripts: non-coding transcript variant (1).
Genome position (GRCh38, 1-based): chr5:90,855,809, C>A. VCF-style: chr5-90855809-C-A. GRCh37 (hg19) VCF-style: chr5-90151626-C-A.
Other names: short protein forms S5888*.
Identifiers: ClinVar variation 4731463 (VCV004731463.1).